The following is an entry in ClinVar:

NM_001127511.3(APC):c.123G>T (p.Pro41=)

Gene: APC (APC regulator of Wnt signaling pathway; plus strand). Cytogenetic location: 5q22.2.
Variant type: single nucleotide variant.
Coding change: c.123G>T on transcript NM_001127511.3; coding-DNA position 123, G replaced by T.
Protein change: p.Pro41=; no amino-acid change (proline 41 retained).
Molecular consequence: synonymous variant. On other transcripts: 5 prime UTR variant (8), non-coding transcript variant (1), intron variant (5).
Genome position (GRCh38, 1-based): chr5:112,707,840, G>T. VCF-style: chr5-112707840-G-T. GRCh37 (hg19) VCF-style: chr5-112043537-G-T.
Other names: c.-61G>T (NM_001354895.2, NM_001407447.1, NM_001407452.1 and 3 more transcripts); c.123G>T, p.Pro41= (NM_001354897.2, NM_001354902.2, NM_001407446.1); c.-1096G>T (NM_001407470.1, NM_001407472.1); c.-19+191G>T (NM_001407448.1, NM_001407450.1, NM_001407457.1 and 1 more transcripts); c.-43+191G>T (NM_001407453.1).
Identifiers: ClinVar variation 537598 (VCV000537598.9), dbSNP rs1189155420, ClinGen allele CA561890306.

ClinVar aggregate classification (germline): Uncertain significance (1 of 4 stars; one submission).

Conditions:
Familial adenomatous polyposis 1 (FAP1). Also called: FAMILIAL ADENOMATOUS POLYPOSIS 1, ATTENUATED; POLYPOSIS, ADENOMATOUS INTESTINAL. Identifiers: MedGen C2713442, MONDO:0021056, OMIM 175100. Disease mechanism: loss of function.

Allele frequency attached by ClinVar (database versions not stated): gnomAD 0.00001.
gnomAD v4.1: 3 of 1,370,366 alleles (0.00022%); highest among the groups gnomAD compares: African/African-American, 0.0029%; no homozygotes.

Submission:

Labcorp Genetics (formerly Invitae), Labcorp
Classification: Uncertain significance for Familial adenomatous polyposis 1. Last evaluated: 2025-12-08. Review status: criteria provided, single submitter. Criteria: Invitae Variant Classification Sherloc (09022015). Collection method: clinical testing. Allele origin: germline.
Comment: This variant occurs in a non-coding region of the APC gene. It does not change the encoded amino acid sequence of the APC protein. This variant is present in population databases (no rsID available, gnomAD 0.01%). This variant has not been reported in the literature in individuals affected with APC-related conditions. ClinVar contains an entry for this variant (Variation ID: 537598). Experimental studies and prediction algorithms are not available or were not evaluated, and the functional significance of this variant is currently unknown. In summary, the available evidence is currently insufficient to determine the role of this variant in disease. Therefore, it has been classified as a Variant of Uncertain Significance.